The following is an entry in ClinVar:

ClinVar aggregate classification (germline): Uncertain significance (1 of 4 stars; one submission).

gnomAD v4.1: 31 of 1,614,062 alleles (0.0019%); highest among the groups gnomAD compares: East Asian, 0.069%; no homozygotes.

Submission:

Labcorp Genetics (formerly Invitae), Labcorp
Classification: Uncertain significance. Last evaluated: 2025-11-20. Review status: criteria provided, single submitter. Criteria: Invitae Variant Classification Sherloc (09022015). Collection method: clinical testing. Allele origin: germline.
Comment: This sequence change replaces alanine, which is neutral and non-polar, with valine, which is neutral and non-polar, at codon 2172 of the GPR179 protein (p.Ala2172Val). This variant is present in population databases (rs772935790, gnomAD 0.03%). This variant has not been reported in the literature in individuals affected with GPR179-related conditions. An algorithm developed to predict the effect of missense changes on protein structure and function outputs the following: PolyPhen-2: "Benign". The valine amino acid residue is found in multiple mammalian species, which suggests that this missense change does not adversely affect protein function. In summary, the available evidence is currently insufficient to determine the role of this variant in disease. Therefore, it has been classified as a Variant of Uncertain Significance.

NM_001004334.4(GPR179):c.6515C>T (p.Ala2172Val)

Gene: GPR179 (G protein-coupled receptor 179; minus strand). Cytogenetic location: 17q12.
Variant type: single nucleotide variant.
Coding change: c.6515C>T on transcript NM_001004334.4 (MANE Select); coding-DNA position 6515, C replaced by T.
Protein change: p.Ala2172Val; replaces alanine 2172 with valine.
Molecular consequence: missense variant.
Genome position (GRCh38, 1-based): chr17:38,327,054, G>A on the plus strand (C>T on the coding strand, the complement: GPR179 is on the minus strand). VCF-style: chr17-38327054-G-A. GRCh37 (hg19) VCF-style: chr17-36482937-G-A.
Other names: short protein forms A2172V.
Identifiers: ClinVar variation 4772557 (VCV004772557.1).